The following is an entry in ClinVar:

NM_005228.5(EGFR):c.1656C>A (p.Asn552Lys)

Gene: EGFR (epidermal growth factor receptor; plus strand). Cytogenetic location: 7p11.2.
Variant type: single nucleotide variant.
Coding change: c.1656C>A on transcript NM_005228.5 (MANE Select); coding-DNA position 1656, C replaced by A.
Protein change: p.Asn552Lys; replaces asparagine 552 with lysine.
Molecular consequence: missense variant.
Genome position (GRCh38, 1-based): chr7:55,163,757, C>A. VCF-style: chr7-55163757-C-A. GRCh37 (hg19) VCF-style: chr7-55231450-C-A.
Other names: c.1521C>A, p.Asn507Lys (NM_001346897.2, NM_001346899.2); c.1656C>A, p.Asn552Lys (NM_001346898.2, NM_201282.2, NM_201284.2); c.1497C>A, p.Asn499Lys (NM_001346900.2); c.855C>A, p.Asn285Lys (NM_001346941.2); short protein forms N499K, N507K, N285K, N552K.
Identifiers: ClinVar variation 4638385 (VCV004638385.1).

ClinVar aggregate classification (germline): Uncertain significance (1 of 4 stars; one submission).

Conditions:
Hereditary cancer-predisposing syndrome. Also called: Neoplastic Syndromes, Hereditary; Tumor predisposition; Hereditary Cancer Syndrome; Hereditary neoplastic syndrome. Identifiers: Orphanet 140162, MedGen C0027672, MeSH D009386, MONDO:0015356.

Submission:

Ambry Genetics
Classification: Uncertain significance for Hereditary cancer-predisposing syndrome. Last evaluated: 2025-09-18. Review status: criteria provided, single submitter. Criteria: Ambry Variant Classification Scheme 2023. Collection method: clinical testing. Allele origin: germline.
Comment: The p.N552K variant (also known as c.1656C>A), located in coding exon 14 of the EGFR gene, results from a C to A substitution at nucleotide position 1656. The asparagine at codon 552 is replaced by lysine, an amino acid with similar properties. This amino acid position is conserved. In addition, this alteration is predicted to be tolerated by in silico analysis. Based on the available evidence, the clinical significance of this variant remains unclear.